The following is an entry in ClinVar:

ClinVar aggregate classification (germline): Uncertain significance. Review status: criteria provided, single submitter (1 of 4 stars). 2 submissions from 2 submitters: Uncertain significance (1). 1 of the submissions does not count toward it. Last evaluated 2025-08-19.

Conditions:
SEMA3F-related disorder. Also called: SEMA3F-related condition.

Allele frequency attached by ClinVar (database versions not stated): ExAC 0.00001; gnomAD 0.00001; gnomAD exomes 0.00001; TOPMed 0.00002.
gnomAD v4.1: 9 of 1,613,814 alleles (0.00056%); highest among the groups gnomAD compares: Admixed American, 0.0067%; no homozygotes.

Submissions (2):

Ambry Genetics
Classification: Uncertain significance. Last evaluated: 2025-08-19. Review status: criteria provided, single submitter. Criteria: Ambry Variant Classification Scheme 2023. Collection method: clinical testing. Allele origin: germline.

PreventionGenetics, part of Exact Sciences
Classification: Uncertain significance for SEMA3F-related condition. Last evaluated: 2024-01-31. Review status: no assertion criteria provided. Collection method: clinical testing. Allele origin: germline. Not counted in ClinVar's aggregate classification.
Comment: The SEMA3F c.985G>A variant is predicted to result in the amino acid substitution p.Glu329Lys. To our knowledge, this variant has not been reported in the literature. This variant is reported in 0.0054% of alleles in individuals of East Asian descent in gnomAD. At this time, the clinical significance of this variant is uncertain due to the absence of conclusive functional and genetic evidence.

NM_004186.5(SEMA3F):c.985G>A (p.Glu329Lys)

Gene: SEMA3F (semaphorin 3F; plus strand). Cytogenetic location: 3p21.31.
Variant type: single nucleotide variant.
Coding change: c.985G>A on transcript NM_004186.5 (MANE Select); coding-DNA position 985, G replaced by A.
Protein change: p.Glu329Lys; replaces glutamic acid 329 with lysine.
Molecular consequence: missense variant.
Genome position (GRCh38, 1-based): chr3:50,182,985, G>A. VCF-style: chr3-50182985-G-A. GRCh37 (hg19) VCF-style: chr3-50220418-G-A.
Other names: c.985G>A (NM_004186.3); c.688G>A, p.Glu230Lys (NM_001318798.2); c.892G>A, p.Glu298Lys (NM_001318800.2); short protein forms E230K, E298K, E329K.
Identifiers: ClinVar variation 3032750 (VCV003032750.3), dbSNP rs746790207, ClinGen allele CA2411978.